The following is an entry in ClinVar:

NM_004100.5(EYA4):c.1294G>A (p.Val432Ile)

Genes: EYA4 (EYA transcriptional coactivator and phosphatase 4; plus strand), TARID (TCF21 antisense RNA inducing promoter demethylation; minus strand). Cytogenetic location: 6q23.2.
Variant type: single nucleotide variant.
Coding change: c.1294G>A on transcript NM_004100.5 (MANE Select); coding-DNA position 1294, G replaced by A.
Protein change: p.Val432Ile; replaces valine 432 with isoleucine.
Molecular consequence: missense variant.
Genome position (GRCh38, 1-based): chr6:133,512,733, G>A. VCF-style: chr6-133512733-G-A. GRCh37 (hg19) VCF-style: chr6-133833871-G-A.
Other names: c.1132G>A, p.Val378Ile (NM_001301012.2); c.1312G>A, p.Val438Ile (NM_001301013.2); c.1225G>A, p.Val409Ile (NM_001370458.1, NM_172103.4); c.1150G>A, p.Val384Ile (NM_001370459.1); c.1294G>A, p.Val432Ile (NM_172105.4); short protein forms V378I, V384I, V409I, V432I, V438I.
Identifiers: ClinVar variation 4614162 (VCV004614162.2).

ClinVar aggregate classification (germline): Uncertain significance. Review status: criteria provided, multiple submitters, no conflicts (2 of 4 stars). 2 submissions from 2 submitters: Uncertain significance (2). Last evaluated 2025-11-18.

Conditions:
EYA4-related disorder. Also called: EYA4-related disorders; EYA4-related condition. Identifiers: MedGen CN239388.
Cardiovascular phenotype. Identifiers: MedGen CN230736.

Submissions (2):

Ambry Genetics
Classification: Uncertain significance for Cardiovascular phenotype. Last evaluated: 2025-11-18. Review status: criteria provided, single submitter. Criteria: Ambry Variant Classification Scheme 2023. Collection method: clinical testing. Allele origin: germline.
Comment: The p.V432I variant (also known as c.1294G>A), located in coding exon 14 of the EYA4 gene, results from a G to A substitution at nucleotide position 1294. The valine at codon 432 is replaced by isoleucine, an amino acid with highly similar properties. This amino acid position is conserved. In addition, the in silico prediction for this alteration is inconclusive. Based on the available evidence, the clinical significance of this variant remains unclear.

PreventionGenetics, part of Exact Sciences
Classification: Uncertain significance for EYA4-related condition. Last evaluated: 2024-12-09. Review status: criteria provided, single submitter. Criteria: ACMG Guidelines, 2015. Collection method: clinical testing. Allele origin: germline.
Comment: The EYA4 c.1294G>A variant is predicted to result in the amino acid substitution p.Val432Ile. To our knowledge, this variant has not been reported in the literature or in a large population database (gnomAD), indicating this variant is rare. At this time, the clinical significance of this variant is uncertain due to the absence of conclusive functional and genetic evidence.